The following is an entry in ClinVar:

NM_006514.4(SCN10A):c.2267G>A (p.Arg756Gln)

Gene: SCN10A (sodium voltage-gated channel alpha subunit 10; minus strand). Cytogenetic location: 3p22.2.
Variant type: single nucleotide variant.
Coding change: c.2267G>A on transcript NM_006514.4 (MANE Select); coding-DNA position 2267, G replaced by A.
Protein change: p.Arg756Gln; replaces arginine 756 with glutamine.
Molecular consequence: missense variant.
Genome position (GRCh38, 1-based): chr3:38,739,528, C>T on the plus strand (G>A on the coding strand, the complement: SCN10A is on the minus strand). VCF-style: chr3-38739528-C-T. GRCh37 (hg19) VCF-style: chr3-38781019-C-T.
Other names: c.2267G>A, p.Arg756Gln (NM_001293306.2); c.1973G>A, p.Arg658Gln (NM_001293307.2); c.2267G>A (NM_006514.2); short protein forms R756Q, R658Q.
Identifiers: ClinVar variation 1483046 (VCV001483046.8), dbSNP rs746092299, ClinGen allele CA2320597.
Genomic context (GRCh38, chr3:38,739,528, plus strand): 5'-TGAATCTGGGTGGGAGTTTCCCCAAGCCATCAAGAGAAAAACATTACCAAGCGGAAGCTC[C>T]GCAGCACAGACAGGCTTCCCTTCTTGGCCACGCCCAGCTCTAGCAGACTCACAGTGACGA-3'
Protein context (NP_006505.4, residues 746-766): VAKKGSLSVL[Arg756Gln]SFRLLRVFKL

ClinVar aggregate classification (germline): Uncertain significance. Review status: criteria provided, multiple submitters, no conflicts (2 of 4 stars). 2 submissions from 2 submitters: Uncertain significance (2). Last evaluated 2024-12-23.

Conditions:
Brugada syndrome. Also called: Sudden unexplained nocturnal death syndrome; Sudden Unexplained Death Syndrome; Sudden Unexplained Nocturnal Death Syndrome (SUNDS); Sudden unexpected nocturnal death syndrome. Identifiers: Orphanet 130, MedGen C1142166, MONDO:0015263.
Cardiovascular phenotype. Identifiers: MedGen CN230736.

Allele frequency attached by ClinVar (database versions not stated): gnomAD 0.00001 and 0.00002; gnomAD exomes 0.00001 and 0.00002; ExAC 0.00002; TOPMed 0.00003.

Submissions (2):

Ambry Genetics
Classification: Uncertain significance for Cardiovascular phenotype. Last evaluated: 2024-12-23. Review status: criteria provided, single submitter. Criteria: Ambry Variant Classification Scheme 2023. Collection method: clinical testing. Allele origin: germline.

Labcorp Genetics (formerly Invitae), Labcorp
Classification: Uncertain significance for Brugada syndrome. Last evaluated: 2024-10-16. Review status: criteria provided, single submitter. Criteria: Invitae Variant Classification Sherloc (09022015). Collection method: clinical testing. Allele origin: germline.
Comment: This sequence change replaces arginine, which is basic and polar, with glutamine, which is neutral and polar, at codon 756 of the SCN10A protein (p.Arg756Gln). This variant is present in population databases (rs746092299, gnomAD 0.01%). This variant has not been reported in the literature in individuals affected with SCN10A-related conditions. ClinVar contains an entry for this variant (Variation ID: 1483046). Invitae Evidence Modeling of protein sequence and biophysical properties (such as structural, functional, and spatial information, amino acid conservation, physicochemical variation, residue mobility, and thermodynamic stability) indicates that this missense variant is not expected to disrupt SCN10A protein function with a negative predictive value of 80%. In summary, the available evidence is currently insufficient to determine the role of this variant in disease. Therefore, it has been classified as a Variant of Uncertain Significance.